The following is an entry in ClinVar:

NC_000022.11:g.24495324C>G

Gene: UPB1 (beta-ureidopropionase 1; plus strand). Cytogenetic location: 22q11.23.
Variant type: single nucleotide variant.
Genome position: GRCh38 VCF-style: chr22-24495324-C-G. GRCh37 (hg19) VCF-style: chr22-24891292-C-G.
Identifiers: ClinVar variation 100154 (VCV000100154.8), dbSNP rs2070474, ClinGen allele CA228233.
Genomic context (GRCh38, chr22:24,495,324, plus strand): 5'-GCGTGTCCTCACTTGAGCTGTCTGGGAGCGAGAGTAAGAGATAAAGGCAAGGGCGCCTGA[C>G]CGGGCCTGGGCACCTCCTCCCACTGCGGGCAAAGGGCAGGCAGTTCGTGCGCGGACACAA-3'

ClinVar aggregate classification (germline): Benign. Review status: criteria provided, multiple submitters, no conflicts (2 of 4 stars). 3 submissions from 3 submitters: Benign (2). 1 of the submissions does not count toward it. Last evaluated 2018-01-13.

Conditions:
Deficiency of beta-ureidopropionase (UPB1D). Also called: Beta-ureidopropionase deficiency. Identifiers: Orphanet 65287, MedGen C1291512, MONDO:0013164, OMIM 613161.

Allele frequency attached by ClinVar (database versions not stated): 1000 Genomes Project 30x 0.53623; TOPMed 0.61461; 1000 Genomes Project 0.53275.

Submissions (3):

Illumina Laboratory Services, Illumina
Classification: Benign for Deficiency of beta-ureidopropionase. Last evaluated: 2018-01-13. Review status: criteria provided, single submitter. Criteria: ICSL Variant Classification Criteria 13 December 2019. Collection method: clinical testing. Allele origin: germline.
Comment: This variant was observed in the ICSL laboratory as part of a predisposition screen in an ostensibly healthy population. It had not been previously curated by ICSL or reported in the Human Gene Mutation Database (HGMD: prior to June 1st, 2018), and was therefore a candidate for classification through an automated scoring system. Utilizing variant allele frequency, disease prevalence and penetrance estimates, and inheritance mode, an automated score was calculated to assess if this variant is too frequent to cause the disease. Based on the score and internal cut-off values, a variant classified as benign is not then subjected to further curation. The score for this variant resulted in a classification of benign for this disease.

Breakthrough Genomics
Classification: Benign. Review status: criteria provided, single submitter. Criteria: ACMG Guidelines, 2015. Collection method: not provided. Allele origin: germline. Inheritance: Autosomal recessive inheritance. Affected: yes.

Diasio Lab,  Mayo Clinic
No classification provided. Review status: no classification provided. Collection method: not provided. Allele origin: unknown. Not counted in ClinVar's aggregate classification.